The following is an entry in ClinVar:

NM_003622.4(PPFIBP1):c.1522T>A (p.Phe508Ile)

Gene: PPFIBP1 (PPFIB scaffold protein 1; plus strand). Cytogenetic location: 12p11.22.
Variant type: single nucleotide variant.
Coding change: c.1522T>A on transcript NM_003622.4 (MANE Select); coding-DNA position 1522, T replaced by A.
Protein change: p.Phe508Ile; replaces phenylalanine 508 with isoleucine.
Molecular consequence: missense variant.
Genome position (GRCh38, 1-based): chr12:27,676,539, T>A. VCF-style: chr12-27676539-T-A. GRCh37 (hg19) VCF-style: chr12-27829472-T-A.
Other names: c.1114T>A, p.Phe372Ile (NM_001198915.2); c.1480T>A, p.Phe494Ile (NM_001198916.2); c.1573T>A, p.Phe525Ile (NM_177444.3); short protein forms F372I, F494I, F508I, F525I.
Identifiers: ClinVar variation 2642807 (VCV002642807.24), dbSNP rs1593312263, ClinGen allele CA384199573.

ClinVar aggregate classification (germline): Uncertain significance (1 of 4 stars; one submission).

Allele frequency attached by ClinVar (database versions not stated): gnomAD exomes below 0.00001; gnomAD 0.00001; TOPMed 0.00001.
gnomAD v4.1: 4 of 1,609,224 alleles (0.00025%); highest among the groups gnomAD compares: Non-Finnish European, 0.00034%; no homozygotes.

Submission:

CeGaT Center for Human Genetics Tuebingen
Classification: Uncertain significance. Last evaluated: 2022-11-01. Review status: criteria provided, single submitter. Criteria: CeGaT Center For Human Genetics Tuebingen Variant Classification Criteria Version 2. Collection method: clinical testing. Allele origin: germline. Affected: yes. Observed: 1 variant allele.
Comment: PPFIBP1: PM2, PP3